The following is an entry in ClinVar:

NM_001042492.3(NF1):c.46del (p.Arg16fs)

Genes: MIR4733HG (MIR4733 host gene; minus strand), NF1 (neurofibromin 1; plus strand), LOC111811965 (NF1 (neurofibromin 1) promoter region; plus strand). Cytogenetic location: 17q11.2.
Variant type: Deletion.
Coding change: c.46del on transcript NM_001042492.3 (MANE Select); coding-DNA position 46, one base deleted (C; older notation c.46delC).
Protein change: p.Arg16fs; shifts the reading frame from arginine 16.
Molecular consequence: frameshift variant. On other transcripts: non-coding transcript variant (1).
Genome position (GRCh38, 1-based): chr17:31,095,355, C deleted; the last of 2 consecutive C bases (chr17:31,095,354-31,095,355); deleting either gives the same sequence. VCF-style (leftmost placement, unchanged base first): chr17-31095353-GC-G. GRCh37 (hg19) VCF-style: chr17-29422371-GC-G.
Other names: c.46delC, p.Arg16Alafs (NM_000267.4); c.46del, p.Arg16fs (NM_001128147.3); short protein forms R16fs.
Identifiers: ClinVar variation 2006336 (VCV002006336.4), dbSNP rs2544511498, ClinGen allele CA2573040366.
Genomic context (GRCh38, chr17:31,095,353, plus strand): 5'-CCGGCCGCGGGGAGGACATGGCCGCGCACAGGCCGGTGGAATGGGTCCAGGCCGTGGTCA[GC>G]CGCTTCGACGAGCAGGTAACCGGCCCGTGGCGGGCGGGAGGTGGGAGCGGAGTGGGGGTG-3'

ClinVar aggregate classification (germline): Pathogenic (1 of 4 stars; one submission).

Conditions:
Neurofibromatosis, type 1 (NF1). Also called: Neurofibromatosis, type I; Peripheral type neurofibromatosis; VON RECKLINGHAUSEN DISEASE; NEUROFIBROMATOSIS, TYPE I, SOMATIC. Identifiers: Orphanet 636, MedGen C0027831, MONDO:0018975, OMIM 162200. Disease mechanism: loss of function.

Submission:

Labcorp Genetics (formerly Invitae), Labcorp
Classification: Pathogenic for Neurofibromatosis, type 1. Last evaluated: 2022-06-14. Review status: criteria provided, single submitter. Criteria: Invitae Variant Classification Sherloc (09022015). Collection method: clinical testing. Allele origin: germline.
Comment: For these reasons, this variant has been classified as Pathogenic. This variant has not been reported in the literature in individuals affected with NF1-related conditions. This variant is not present in population databases (gnomAD no frequency). This sequence change creates a premature translational stop signal (p.Arg16Alafs*8) in the NF1 gene. It is expected to result in an absent or disrupted protein product. Loss-of-function variants in NF1 are known to be pathogenic (PMID: 10712197, 23913538).

Literature cited by the submitters: PubMed 10712197; PubMed 23913538.